The following is an entry in ClinVar:

NM_153704.6(TMEM67):c.1963G>A (p.Glu655Lys)

Gene: TMEM67 (transmembrane protein 67; plus strand). Cytogenetic location: 8q22.1.
Variant type: single nucleotide variant.
Coding change: c.1963G>A on transcript NM_153704.6 (MANE Select); coding-DNA position 1963, G replaced by A.
Protein change: p.Glu655Lys; replaces glutamic acid 655 with lysine.
Molecular consequence: missense variant. On other transcripts: non-coding transcript variant (1).
Genome position (GRCh38, 1-based): chr8:93,797,333, G>A. VCF-style: chr8-93797333-G-A. GRCh37 (hg19) VCF-style: chr8-94809561-G-A.
Other names: p.Glu655Lys; c.1720G>A, p.Glu574Lys (NM_001142301.1); short protein forms E574K, E655K.
Identifiers: ClinVar variation 1937921 (VCV001937921.5), dbSNP rs141310078, ClinGen allele CA4808170.

ClinVar aggregate classification (germline): Uncertain significance. Review status: criteria provided, multiple submitters, no conflicts (2 of 4 stars). 4 submissions from 4 submitters: Uncertain significance (4). Last evaluated 2025-11-04.

Conditions:
Inborn genetic diseases. Identifiers: MedGen C0950123, MeSH D030342.
TMEM67-related disorder. Also called: TMEM67-related condition; TMEM67-related disorders. Identifiers: MedGen CN239423.
Meckel-Gruber syndrome. Also called: DYSENCEPHALIA SPLANCHNOCYSTICA; GRUBER SYNDROME; Dysencephalia splachnocystica. Identifiers: Orphanet 564, MedGen C0265215, MONDO:0018921.
Joubert syndrome. Also called: Familial aplasia of the vermis; JOUBERT-BOLTSHAUSER SYNDROME. Identifiers: Orphanet 475, MedGen C5979921, MONDO:0018772.

Allele frequency attached by ClinVar (database versions not stated): gnomAD exomes 0.00002; gnomAD 0.00005; TOPMed 0.00005; ExAC 0.00006; ESP Exome Variant Server 0.00031.
gnomAD v4.1: 44 of 1,614,048 alleles (0.0027%); highest among the groups gnomAD compares: South Asian, 0.0077%; no homozygotes.

Submissions (4):

PreventionGenetics, part of Exact Sciences
Classification: Uncertain significance for TMEM67-related condition. Last evaluated: 2025-11-04. Review status: criteria provided, single submitter. Criteria: ACMG Guidelines, 2015. Collection method: clinical testing. Allele origin: germline.
Comment: The TMEM67 c.1963G>A variant is predicted to result in the amino acid substitution p.Glu655Lys. To our knowledge, this variant has not been reported in the literature. This variant is reported in 0.0065% of alleles in individuals of South Asian descent in gnomAD. At this time, the clinical significance of this variant is uncertain due to the absence of conclusive functional and genetic evidence.

Ambry Genetics
Classification: Uncertain significance for Inborn genetic diseases. Last evaluated: 2025-09-22. Review status: criteria provided, single submitter. Criteria: Ambry Variant Classification Scheme 2023. Collection method: clinical testing. Allele origin: germline.

Mayo Clinic Laboratories, Mayo Clinic
Classification: Uncertain significance. Last evaluated: 2024-07-29. Review status: criteria provided, single submitter. Criteria: ACMG Guidelines, 2015. Collection method: clinical testing. Allele origin: germline. Observed: 1 variant allele.

Labcorp Genetics (formerly Invitae), Labcorp
Classification: Uncertain significance for Joubert syndrome; Meckel-Gruber syndrome. Last evaluated: 2022-10-24. Review status: criteria provided, single submitter. Criteria: Invitae Variant Classification Sherloc (09022015). Collection method: clinical testing. Allele origin: germline.
Comment: This sequence change replaces glutamic acid, which is acidic and polar, with lysine, which is basic and polar, at codon 655 of the TMEM67 protein (p.Glu655Lys). This variant is present in population databases (rs141310078, gnomAD 0.006%). This variant has not been reported in the literature in individuals affected with TMEM67-related conditions. Algorithms developed to predict the effect of missense changes on protein structure and function (SIFT, PolyPhen-2, Align-GVGD) all suggest that this variant is likely to be tolerated. In summary, the available evidence is currently insufficient to determine the role of this variant in disease. Therefore, it has been classified as a Variant of Uncertain Significance.